The following is an entry in ClinVar:

ClinVar aggregate classification (germline): Conflicting classifications of pathogenicity. Review status: criteria provided, conflicting classifications (1 of 4 stars). 5 submissions from 5 submitters: Uncertain significance (2); Likely benign (2). 1 of the submissions does not count toward it. Last evaluated 2026-01-28.

Conditions:
Hereditary insensitivity to pain with anhidrosis (CIPA). Also called: HSAN Type IV; NEUROPATHY, CONGENITAL SENSORY, WITH ANHIDROSIS; NTRK1 Congenital Insensitivity to Pain with Anhidrosis; hereditary sensory and autonomic neuropathy type 4; INSENSITIVITY TO PAIN, CONGENITAL, WITH ANHIDROSIS; FAMILIAL DYSAUTONOMIA, TYPE II. Identifiers: Orphanet 642, MedGen C0020074, MONDO:0009746, OMIM 256800.
Inborn genetic diseases. Identifiers: MedGen C0950123, MeSH D030342.
NTRK1-related disorder. Also called: NTRK1-related condition.

Allele frequency attached by ClinVar (database versions not stated): ESP Exome Variant Server 0.00008; ExAC 0.00012; gnomAD exomes 0.00013; 1000 Genomes Project 0.00040; gnomAD 0.00045 and 0.00050; TOPMed 0.00053; 1000 Genomes Project 30x 0.00062.
gnomAD v4.1: 127 of 1,613,984 alleles (0.0079%); highest among the groups gnomAD compares: African/African-American, 0.14%; no homozygotes.

Submissions (5):

Labcorp Genetics (formerly Invitae), Labcorp
Classification: Likely benign for Hereditary insensitivity to pain with anhidrosis. Last evaluated: 2026-01-28. Review status: criteria provided, single submitter. Criteria: Invitae Variant Classification Sherloc (09022015). Collection method: clinical testing. Allele origin: germline.

Ambry Genetics
Classification: Uncertain significance for Inborn genetic diseases. Last evaluated: 2025-11-26. Review status: criteria provided, single submitter. Criteria: Ambry Variant Classification Scheme 2023. Collection method: clinical testing. Allele origin: germline.

PreventionGenetics, part of Exact Sciences
Classification: Likely benign for NTRK1-related condition. Last evaluated: 2025-03-21. Review status: criteria provided, single submitter. Criteria: ACMG Guidelines, 2015. Collection method: clinical testing. Allele origin: germline.
Comment: This variant is classified as likely benign based on ACMG/AMP sequence variant interpretation guidelines (Richards et al. 2015 PMID: 25741868, with internal and published modifications).

GeneDx
Classification: Uncertain significance. Last evaluated: 2021-02-22. Review status: criteria provided, single submitter. Criteria: GeneDx Variant Classification Process June 2021. Collection method: clinical testing. Allele origin: germline. Affected: yes.
Comment: In silico analysis supports that this missense variant has a deleterious effect on protein structure/function; Has not been previously published as pathogenic or benign to our knowledge; In silico analysis, which includes splice predictors and evolutionary conservation, suggests this variant may impact gene splicing. In the absence of RNA/functional studies, the actual effect of this sequence change is unknown.

Natera, Inc.
Classification: Uncertain significance for Hereditary insensitivity to pain with anhidrosis. Last evaluated: 2020-01-21. Review status: no assertion criteria provided. Collection method: clinical testing. Allele origin: germline. Not counted in ClinVar's aggregate classification.

NM_002529.4(NTRK1):c.1320C>G (p.Asn440Lys)

Gene: NTRK1 (neurotrophic receptor tyrosine kinase 1; plus strand). Cytogenetic location: 1q23.1.
Variant type: single nucleotide variant.
Coding change: c.1320C>G on transcript NM_002529.4 (MANE Select); coding-DNA position 1320, C replaced by G.
Protein change: p.Asn440Lys; replaces asparagine 440 with lysine.
Molecular consequence: missense variant.
Genome position (GRCh38, 1-based): chr1:156,874,974, C>G. VCF-style: chr1-156874974-C-G. GRCh37 (hg19) VCF-style: chr1-156844766-C-G.
Other names: c.1320C>G (NM_002529.3); c.1212C>G, p.Asn404Lys (NM_001007792.1); c.1302C>G, p.Asn434Lys (NM_001012331.2); short protein forms N404K, N434K, N440K.
Identifiers: ClinVar variation 966607 (VCV000966607.19), dbSNP rs147443162, ClinGen allele CA1169279.